The following is an entry in ClinVar:

ClinVar aggregate classification (germline): Likely benign (1 of 4 stars; one submission).

gnomAD v4.1: 592 of 1,613,660 alleles (0.037%); highest among the groups gnomAD compares: Non-Finnish European, 0.047%; no homozygotes.

Submission:

CeGaT Center for Human Genetics Tuebingen
Classification: Likely benign. Last evaluated: 2026-07-01. Review status: criteria provided, single submitter. Criteria: CeGaT Center For Human Genetics Tuebingen Variant Classification Criteria Version 2. Collection method: clinical testing. Allele origin: germline. Affected: yes. Observed: 1 variant allele.
Comment: TRAPPC10: BP4, BP7

NM_003274.5(TRAPPC10):c.2787G>T (p.Pro929=)

Gene: TRAPPC10 (trafficking protein particle complex subunit 10; plus strand). Cytogenetic location: 21q22.3.
Variant type: single nucleotide variant.
Coding change: c.2787G>T on transcript NM_003274.5 (MANE Select); coding-DNA position 2787, G replaced by T.
Protein change: p.Pro929=; no amino-acid change (proline 929 retained).
Molecular consequence: synonymous variant.
Genome position (GRCh38, 1-based): chr21:44,089,850, G>T. VCF-style: chr21-44089850-G-T. GRCh37 (hg19) VCF-style: chr21-45509731-G-T.
Other names: c.1386G>T, p.Pro462= (NM_001351709.1).
Identifiers: ClinVar variation 5038842 (VCV005038842.1).
Genomic context (GRCh38, chr21:44,089,850, plus strand): 5'-CGTCGGCGAGTGGTCTGAGAGTGTCTTTGTGCTTCCTCCTCAGGTGTCGATTGACTGCCC[G>T]TGGTCCATCTACTCCACAGTCATCGCACTGACCTTCAGCGTACCCTTCAGGACCACACAC-3'
Protein context (NP_003265.3, residues 919-939): TTDHKVSIDC[Pro929=]WSIYSTVIAL